The following is an entry in ClinVar:

ClinVar aggregate classification (germline): Uncertain significance. Review status: criteria provided, multiple submitters, no conflicts (2 of 4 stars). 2 submissions from 2 submitters: Uncertain significance (2). Last evaluated 2024-12-29.

Conditions:
Nephronophthisis 15 (NPHP15). Identifiers: Orphanet 3156, MedGen C3541853, MONDO:0013917, OMIM 614845.
CEP164-related disorder. Also called: CEP164-related condition.

gnomAD v4.1: 8 of 1,613,960 alleles (0.0005%); highest among the groups gnomAD compares: African/African-American, 0.011%; no homozygotes.

Submissions (2):

PreventionGenetics, part of Exact Sciences
Classification: Uncertain significance for CEP164-related condition. Last evaluated: 2024-12-29. Review status: criteria provided, single submitter. Criteria: ACMG Guidelines, 2015. Collection method: clinical testing. Allele origin: germline.
Comment: The CEP164 c.3711T>A variant is predicted to result in the amino acid substitution p.Phe1237Leu. To our knowledge, this variant has not been reported in the literature. This variant is reported in 0.0062% of alleles in individuals of African descent in gnomAD. At this time, the clinical significance of this variant is uncertain due to the absence of conclusive functional and genetic evidence.

Labcorp Genetics (formerly Invitae), Labcorp
Classification: Uncertain significance for Nephronophthisis 15. Last evaluated: 2022-07-23. Review status: criteria provided, single submitter. Criteria: Invitae Variant Classification Sherloc (09022015). Collection method: clinical testing. Allele origin: germline.
Comment: This sequence change replaces phenylalanine, which is neutral and non-polar, with leucine, which is neutral and non-polar, at codon 1237 of the CEP164 protein (p.Phe1237Leu). This variant is not present in population databases (gnomAD no frequency). This variant has not been reported in the literature in individuals affected with CEP164-related conditions. Algorithms developed to predict the effect of missense changes on protein structure and function (SIFT, PolyPhen-2, Align-GVGD) all suggest that this variant is likely to be tolerated. In summary, the available evidence is currently insufficient to determine the role of this variant in disease. Therefore, it has been classified as a Variant of Uncertain Significance.

NM_014956.5(CEP164):c.3711T>A (p.Phe1237Leu)

Gene: CEP164 (centrosomal protein 164; plus strand). Cytogenetic location: 11q23.3.
Variant type: single nucleotide variant.
Coding change: c.3711T>A on transcript NM_014956.5 (MANE Select); coding-DNA position 3711, T replaced by A.
Protein change: p.Phe1237Leu; replaces phenylalanine 1237 with leucine.
Molecular consequence: missense variant.
Genome position (GRCh38, 1-based): chr11:117,408,991, T>A. VCF-style: chr11-117408991-T-A. GRCh37 (hg19) VCF-style: chr11-117279707-T-A.
Other names: c.3720T>A, p.Phe1240Leu (NM_001271933.2); c.3711T>A (NM_014956.4); short protein forms F1240L, F1237L.
Identifiers: ClinVar variation 2152064 (VCV002152064.2), dbSNP rs756518173, ClinGen allele CA229374179.